The following is an entry in ClinVar:

NM_004618.5(TOP3A):c.2779G>T (p.Glu927Ter)

Gene: TOP3A (DNA topoisomerase III alpha; minus strand). Cytogenetic location: 17p11.2.
Variant type: single nucleotide variant.
Coding change: c.2779G>T on transcript NM_004618.5 (MANE Select); coding-DNA position 2779, G replaced by T.
Protein change: p.Glu927Ter; replaces glutamic acid 927 with a stop codon.
Molecular consequence: nonsense.
Genome position (GRCh38, 1-based): chr17:18,277,723, C>A on the plus strand (G>T on the coding strand, the complement: TOP3A is on the minus strand). VCF-style: chr17-18277723-C-A. GRCh37 (hg19) VCF-style: chr17-18181037-C-A.
Other names: c.2494G>T, p.Glu832Ter (NM_001320759.2); short protein forms E832*, E927*.
Identifiers: ClinVar variation 1699252 (VCV001699252.4), dbSNP rs578143841, ClinGen allele CA8429521.

ClinVar aggregate classification (germline): Uncertain significance. Review status: criteria provided, multiple submitters, no conflicts (2 of 4 stars). 2 submissions from 2 submitters: Uncertain significance (2). Last evaluated 2026-09-07.

Conditions:
Microcephaly, growth restriction, and increased sister chromatid exchange 2. Identifiers: MedGen C4748176, MONDO:0020628, OMIM 618097.
Fetal anomalies with a likely genetic cause.

Allele frequency attached by ClinVar (database versions not stated): TOPMed 0.00001; ExAC 0.00018; 1000 Genomes Project 0.00020; 1000 Genomes Project 30x 0.00031; gnomAD 0.00005; gnomAD exomes 0.00018.

Submissions (2):

Genetics Laboratory, Great Ormond Street Hospital NHS Foundation Trust, North Thames Genomic Laboratory Hub
Classification: Uncertain significance for Fetal anomalies with a likely genetic cause. Last evaluated: 2026-09-07. Review status: criteria provided, single submitter. Criteria: ACGS Best Practice Guidelines for Variant Classification in Rare Disease 2024 v1.2. Collection method: clinical testing. Allele origin: germline. Affected: yes.
Comment: PVS1_strong

Victorian Clinical Genetics Services, Murdoch Childrens Research Institute
Classification: Uncertain significance for Microcephaly, growth restriction, and increased sister chromatid exchange 2. Last evaluated: 2022-02-02. Review status: criteria provided, single submitter. Criteria: ACMG Guidelines, 2015. Collection method: clinical testing. Allele origin: germline. Inheritance: Autosomal recessive inheritance.
Comment: Based on the classification scheme VCGS_Germline_v1.3.4, this variant is classified as VUS-3B. Following criteria are met: 0102 - Loss of function is a known mechanism of disease in this gene and is associated with progressive external ophthalmoplegia with mitochondrial DNA deletions 5 (MIM#618098) and microcephaly, growth restriction, and increased sister chromatid exchange 2 (MIM#618097). (I) 0106 - This gene is associated with autosomal recessive disease. (I) 0205 - Variant is predicted to result in a truncated protein (premature termination codon is NOT located at least 54 nucleotides upstream of the final exon-exon junction) with less than 1/3 of the protein sequence affected. (SP) 0251 - This variant is heterozygous. (I) 0304 - Variant is present in gnomAD (v2) <0.01 for a recessive condition (45 heterozygotes, 0 homozygotes). (SP) 0600 - Variant results in the loss of part of the GRF-type 2 zinc finger motif (Uniprot, NCBI). (I) 0705 - No comparable protein truncation variants have previous evidence for pathogenicity. (I) 0807 - This variant has no previous evidence of pathogenicity. (I) 0905 - No published segregation evidence has been identified for this variant. (I) 1007 - No published functional evidence has been identified for this variant. (I) Legend: (SP) - Supporting pathogenic, (I) - Information, (SB) - Supporting benign